The following is an entry in ClinVar:

ClinVar aggregate classification (germline): Uncertain significance (1 of 4 stars; one submission).

Submission:

Labcorp Genetics (formerly Invitae), Labcorp
Classification: Uncertain significance. Last evaluated: 2023-08-17. Review status: criteria provided, single submitter. Criteria: Invitae Variant Classification Sherloc (09022015). Collection method: clinical testing. Allele origin: germline.
Comment: In summary, the available evidence is currently insufficient to determine the role of this variant in disease. Therefore, it has been classified as a Variant of Uncertain Significance. Advanced modeling of protein sequence and biophysical properties (such as structural, functional, and spatial information, amino acid conservation, physicochemical variation, residue mobility, and thermodynamic stability) performed at Invitae indicates that this missense variant is not expected to disrupt SETBP1 protein function. This variant has not been reported in the literature in individuals affected with SETBP1-related conditions. This variant is not present in population databases (gnomAD no frequency). This sequence change replaces lysine, which is basic and polar, with asparagine, which is neutral and polar, at codon 250 of the SETBP1 protein (p.Lys250Asn).

NM_015559.3(SETBP1):c.750G>C (p.Lys250Asn)

Gene: SETBP1 (SET binding protein 1; plus strand). Cytogenetic location: 18q12.3.
Variant type: single nucleotide variant.
Coding change: c.750G>C on transcript NM_015559.3 (MANE Select); coding-DNA position 750, G replaced by C.
Protein change: p.Lys250Asn; replaces lysine 250 with asparagine.
Molecular consequence: missense variant.
Genome position (GRCh38, 1-based): chr18:44,950,090, G>C. VCF-style: chr18-44950090-G-C. GRCh37 (hg19) VCF-style: chr18-42530055-G-C.
Other names: c.750G>C, p.Lys250Asn (NM_001379141.1, NM_001379142.1, NM_001410862.1); short protein forms K250N.
Identifiers: ClinVar variation 2753445 (VCV002753445.3), dbSNP rs2511464821, ClinGen allele CA402316759.